The following is an entry in ClinVar:

ClinVar aggregate classification (germline): Uncertain significance (1 of 4 stars; one submission).

Conditions:
Hereditary cancer-predisposing syndrome. Also called: Neoplastic Syndromes, Hereditary; Tumor predisposition; Hereditary Cancer Syndrome; Hereditary neoplastic syndrome. Identifiers: Orphanet 140162, MedGen C0027672, MeSH D009386, MONDO:0015356.

Submission:

Ambry Genetics
Classification: Uncertain significance for Hereditary cancer-predisposing syndrome. Last evaluated: 2026-02-24. Review status: criteria provided, single submitter. Criteria: Ambry Variant Classification Scheme 2023. Collection method: clinical testing. Allele origin: germline.
Comment: The p.Q342K variant (also known as c.1024C>A), located in coding exon 10 of the PMS2 gene, results from a C to A substitution at nucleotide position 1024. The glutamine at codon 342 is replaced by lysine, an amino acid with similar properties. This amino acid position is conserved. In addition, this alteration is predicted to be deleterious by in silico analysis. Based on the available evidence, the clinical significance of this variant remains unclear.

NM_000535.7(PMS2):c.1024C>A (p.Gln342Lys)

Gene: PMS2 (PMS1 homolog 2, mismatch repair system component; minus strand). Cytogenetic location: 7p22.1.
Variant type: single nucleotide variant.
Coding change: c.1024C>A on transcript NM_000535.7 (MANE Select); coding-DNA position 1024, C replaced by A.
Protein change: p.Gln342Lys; replaces glutamine 342 with lysine.
Molecular consequence: missense variant. On other transcripts: non-coding transcript variant (1), intron variant (10).
Genome position (GRCh38, 1-based): chr7:5,989,920, G>T on the plus strand (C>A on the coding strand, the complement: PMS2 is on the minus strand). VCF-style: chr7-5989920-G-T. GRCh37 (hg19) VCF-style: chr7-6029551-G-T.
Other names: c.619C>A, p.Gln207Lys (NM_001322003.2, NM_001406887.1, NM_001406888.1 and 16 more transcripts); c.715C>A, p.Gln239Lys (NM_001322015.2, NM_001406875.1, NM_001406877.1 and 5 more transcripts); c.1210C>A, p.Gln404Lys (NM_001406866.1); c.1048C>A, p.Gln350Lys (NM_001406868.1); c.916C>A, p.Gln306Lys (NM_001406869.1); c.1024C>A, p.Gln342Lys (NM_001406871.1, NM_001406872.1, NM_001322014.2); c.826C>A, p.Gln276Lys (NM_001406873.1); c.856C>A, p.Gln286Lys (NM_001406874.1); and 13 more; short protein forms Q151K, Q220K, Q236K, Q239K, Q306K, Q171K, Q276K, Q286K.
Identifiers: ClinVar variation 4826893 (VCV004826893.1).
Genomic context (GRCh38, chr7:5,989,920, plus strand): 5'-TTCCTATCAAAGAGGTCTTTAAAACTGCCAACAAAAGCTTTTCCTCTTGTAGCAAAATTT[G>T]CCTTTTATCTGGAGTAACATTGATATCAACGCATTCTAAGGCAAAAAAGAAAACATATTT-3'
Protein context (NP_000526.2, residues 332-352): VDINVTPDKR[Gln342Lys]ILLQEEKLLL